The following is an entry in ClinVar:

ClinVar aggregate classification (germline): Uncertain significance (1 of 4 stars; one submission).

Submission:

Labcorp Genetics (formerly Invitae), Labcorp
Classification: Uncertain significance. Last evaluated: 2022-01-06. Review status: criteria provided, single submitter. Criteria: Invitae Variant Classification Sherloc (09022015). Collection method: clinical testing. Allele origin: germline.
Comment: This variant has not been reported in the literature in individuals affected with ZSWIM6-related conditions. In summary, the available evidence is currently insufficient to determine the role of this variant in disease. Therefore, it has been classified as a Variant of Uncertain Significance. Algorithms developed to predict the effect of missense changes on protein structure and function (SIFT, PolyPhen-2, Align-GVGD) all suggest that this variant is likely to be tolerated. This variant is not present in population databases (gnomAD no frequency). This sequence change replaces serine, which is neutral and polar, with threonine, which is neutral and polar, at codon 621 of the ZSWIM6 protein (p.Ser621Thr).

NM_020928.2(ZSWIM6):c.1861T>A (p.Ser621Thr)

Gene: ZSWIM6 (zinc finger SWIM-type containing 6; plus strand). Cytogenetic location: 5q12.1.
Variant type: single nucleotide variant.
Coding change: c.1861T>A on transcript NM_020928.2 (MANE Select); coding-DNA position 1861, T replaced by A.
Protein change: p.Ser621Thr; replaces serine 621 with threonine.
Molecular consequence: missense variant.
Genome position (GRCh38, 1-based): chr5:61,530,075, T>A. VCF-style: chr5-61530075-T-A. GRCh37 (hg19) VCF-style: chr5-60825902-T-A.
Other names: short protein forms S621T.
Identifiers: ClinVar variation 1482807 (VCV001482807.6), dbSNP rs2112274900, ClinGen allele CA359944041.